The following is an entry in ClinVar:

ClinVar aggregate classification (germline): Pathogenic (1 of 4 stars; one submission).

Conditions:
Fabry disease. Also called: ALPHA-GALACTOSIDASE A DEFICIENCY; ANDERSON-FABRY DISEASE; CERAMIDE TRIHEXOSIDASE DEFICIENCY; GLA DEFICIENCY; HEREDITARY DYSTOPIC LIPIDOSIS; Fabry's disease. Identifiers: Orphanet 324, MedGen C0002986, MONDO:0010526, OMIM 301500, HP:0001071. Disease mechanism: Fabry disease is due to inactivating mutations in the X-linked GLA gene resulting in deficiency of the enzyme Alpha Galactosidase-A., loss of function.

Submission:

Labcorp Genetics (formerly Invitae), Labcorp
Classification: Pathogenic for Fabry disease. Last evaluated: 2019-11-14. Review status: criteria provided, single submitter. Criteria: Invitae Variant Classification Sherloc (09022015). Collection method: clinical testing. Allele origin: germline.
Comment: For these reasons, this variant has been classified as Pathogenic. This variant disrupts the C-terminus of the GLA protein. Other variant(s) that disrupt this region (p.Val376Profs*10) have been determined to be pathogenic (Invitae). This suggests that variants that disrupt this region of the protein are likely to be causative of disease. This variant has not been reported in the literature in individuals with GLA-related conditions. This variant is not present in population databases (ExAC no frequency). This sequence change results in a premature translational stop signal in the GLA gene (p.Gly346Leufs*30). While this is not anticipated to result in nonsense mediated decay, it is expected to disrupt the last 84 amino acids of the GLA protein.

NM_000169.3(GLA):c.1031_1034dup (p.Gly346fs)

Genes: GLA (galactosidase alpha; minus strand), RPL36A-HNRNPH2 (RPL36A-HNRNPH2 readthrough; plus strand). Cytogenetic location: Xq22.1.
Variant type: Microsatellite.
Coding change: c.1031_1034dup on transcript NM_000169.3 (MANE Select); coding-DNA positions 1031 to 1034, 4 bases duplicated (TCTC; older notation c.1031_1034dupTCTC).
Protein change: p.Gly346fs; shifts the reading frame from glycine 346.
Molecular consequence: frameshift variant. On other transcripts: non-coding transcript variant (3), intron variant (2).
Genome position (GRCh38, 1-based): chrX:101,398,065-101,398,068, GAGA duplicated on the plus strand (TCTC on the coding strand, the reverse complement: GLA is on the minus strand); duplicating any 4 consecutive bases within chrX:101,398,065-101,398,071 gives the same sequence; the c. name uses the placement nearest the transcript's 3' end. VCF-style (leftmost placement, unchanged base first): chrX-101398064-T-TGAGA. GRCh37 (hg19) VCF-style: chrX-100653052-T-TGAGA.
Other names: c.1028_1029CT[5], p.Gly346Leufs (NM_000169.2); c.1154_1157dup, p.Gly387fs (NM_001406747.1); c.300+2608GA[5] (NM_001199973.2); c.177+6243GA[5] (NM_001199974.2); c.1031_1034dup (NM_000169.2); short protein forms G346fs, G387fs.
Identifiers: ClinVar variation 967156 (VCV000967156.10), dbSNP rs398123198, ClinGen allele CA2448297811.